The following is an entry in ClinVar:

NM_001854.4(COL11A1):c.4941T>G (p.Thr1647=)

Gene: COL11A1 (collagen type XI alpha 1 chain; minus strand). Cytogenetic location: 1p21.1.
Variant type: single nucleotide variant.
Coding change: c.4941T>G on transcript NM_001854.4 (MANE Select); coding-DNA position 4941, T replaced by G.
Protein change: p.Thr1647=; no amino-acid change (threonine 1647 retained).
Molecular consequence: synonymous variant. On other transcripts: non-coding transcript variant (1).
Genome position (GRCh38, 1-based): chr1:102,883,229, A>C on the plus strand (T>G on the coding strand, the complement: COL11A1 is on the minus strand). VCF-style: chr1-102883229-A-C. GRCh37 (hg19) VCF-style: chr1-103348785-A-C.
Other names: c.4824T>G, p.Thr1608= (NM_001190709.2); c.4977T>G, p.Thr1659= (NM_080629.3); c.4593T>G, p.Thr1531= (NM_080630.4).
Identifiers: ClinVar variation 4997609 (VCV004997609.1).

ClinVar aggregate classification (germline): Likely benign (1 of 4 stars; one submission).

Conditions:
COL11A1-related disorder. Also called: COL11A1-related condition; COL11A1-related disorders.

Submission:

PreventionGenetics, part of Exact Sciences
Classification: Likely benign for COL11A1-related condition. Last evaluated: 2026-07-14. Review status: criteria provided, single submitter. Criteria: ACMG Guidelines, 2015. Collection method: clinical testing. Allele origin: germline.
Comment: This variant is classified as likely benign based on ACMG/AMP sequence variant interpretation guidelines (Richards et al. 2015 PMID: 25741868, with internal and published modifications).